The following is an entry in ClinVar:

NM_002076.4(GNS):c.*1990A>G

Gene: GNS (glucosamine (N-acetyl)-6-sulfatase; minus strand). Cytogenetic location: 12q14.3.
Variant type: single nucleotide variant.
Coding change: c.*1990A>G on transcript NM_002076.4 (MANE Select); 1990 bases downstream of the stop codon, A replaced by G.
Molecular consequence: 3 prime UTR variant.
Genome position (GRCh38, 1-based): chr12:64,714,751, T>C on the plus strand (A>G on the coding strand, the complement: GNS is on the minus strand). VCF-style: chr12-64714751-T-C. GRCh37 (hg19) VCF-style: chr12-65108531-T-C.
Other names: NC_000012.11:g.65108531T>C.
Identifiers: ClinVar variation 310177 (VCV000310177.6), dbSNP rs17100600, ClinGen allele CA10643156.

ClinVar aggregate classification (germline): Benign (1 of 4 stars; one submission).

Conditions:
Mucopolysaccharidosis, MPS-III-D (MPS3D). Also called: MPS IIID (Sanfilippo Syndrome Type D); MPS III D; Mucopoly-saccharidosis type 3D; N-acetylglucosamine-6-sulfate sulfatase deficiency; MPS 3D; N-ACETYLGLUCOSAMINE-6-SULFATASE DEFICIENCY. Identifiers: Orphanet 581, Orphanet 79272, MedGen C0086650, MONDO:0009658, OMIM 252940.

Allele frequency attached by ClinVar (database versions not stated): 1000 Genomes Project 0.03395; gnomAD 0.03977 and 0.04306; 1000 Genomes Project 30x 0.03826; TOPMed 0.04480.

Submissions (4):

Illumina Laboratory Services, Illumina
Classification: Benign for Mucopolysaccharidosis, MPS-III-D. Last evaluated: 2018-01-13. Review status: criteria provided, single submitter. Criteria: ICSL Variant Classification Criteria 13 December 2019. Collection method: clinical testing. Allele origin: germline.
Comment: This variant was observed in the ICSL laboratory as part of a predisposition screen in an ostensibly healthy population. It had not been previously curated by ICSL or reported in the Human Gene Mutation Database (HGMD: prior to June 1st, 2018), and was therefore a candidate for classification through an automated scoring system. Utilizing variant allele frequency, disease prevalence and penetrance estimates, and inheritance mode, an automated score was calculated to assess if this variant is too frequent to cause the disease. Based on the score and internal cut-off values, a variant classified as benign is not then subjected to further curation. The score for this variant resulted in a classification of benign for this disease.

Dr. Peter K. Rogan Lab, Western University
No classification provided (evidence only). Condition: Uterine corpus endometrial carcinoma. Review status: no classification provided. Collection method: in vitro. Allele origin: not applicable. Functional consequence: retained intron. Not counted in ClinVar's aggregate classification.

Dr. Peter K. Rogan Lab, Western University
No classification provided (evidence only). Condition: Cervical cancer. Review status: no classification provided. Collection method: in vitro. Allele origin: not applicable. Functional consequence: retained intron. Not counted in ClinVar's aggregate classification.

Dr. Peter K. Rogan Lab, Western University
No classification provided (evidence only). Condition: Sarcoma. Review status: no classification provided. Collection method: in vitro. Allele origin: not applicable. Functional consequence: retained intron. Not counted in ClinVar's aggregate classification.